The following is an entry in ClinVar:

ClinVar aggregate classification (germline): Likely benign (1 of 4 stars; one submission).

gnomAD v4.1: 62 of 1,613,966 alleles (0.0038%); highest among the groups gnomAD compares: Admixed American, 0.077%; no homozygotes.

Submission:

CeGaT Center for Human Genetics Tuebingen
Classification: Likely benign. Last evaluated: 2025-02-01. Review status: criteria provided, single submitter. Criteria: CeGaT Center For Human Genetics Tuebingen Variant Classification Criteria Version 2. Collection method: clinical testing. Allele origin: germline. Affected: yes. Observed: 1 variant allele.
Comment: SIRPG: BP4, BP7

NM_018556.4(SIRPG):c.180C>T (p.Pro60=)

Gene: SIRPG (signal regulatory protein gamma; minus strand). Cytogenetic location: 20p13.
Variant type: single nucleotide variant.
Coding change: c.180C>T on transcript NM_018556.4 (MANE Select); coding-DNA position 180, C replaced by T.
Protein change: p.Pro60=; no amino-acid change (proline 60 retained).
Molecular consequence: synonymous variant.
Genome position (GRCh38, 1-based): chr20:1,649,302, G>A on the plus strand (C>T on the coding strand, the complement: SIRPG is on the minus strand). VCF-style: chr20-1649302-G-A. GRCh37 (hg19) VCF-style: chr20-1629948-G-A.
Other names: c.180C>T, p.Pro60= (NM_001039508.2, NM_080816.3).
Identifiers: ClinVar variation 3778291 (VCV003778291.7).